The following is an entry in ClinVar:

ClinVar aggregate classification (germline): Uncertain significance (1 of 4 stars; one submission).

Conditions:
Charcot-Marie-Tooth disease axonal type 2L. Also called: CHARCOT-MARIE-TOOTH DISEASE, AXONAL, AUTOSOMAL DOMINANT, TYPE 2L; CHARCOT-MARIE-TOOTH NEUROPATHY, AXONAL, TYPE 2L; Charcot-Marie-Tooth Neuropathy Type 2L. Identifiers: Orphanet 99945, MedGen C1837552, MONDO:0012096, OMIM 608673.

Allele frequency attached by ClinVar (database versions not stated): TOPMed below 0.00001.
gnomAD v4.1: 1 of 1,614,018 alleles (0.000062%); highest among the groups gnomAD compares: Non-Finnish European, 0.000085%; no homozygotes.

Submission:

Labcorp Genetics (formerly Invitae), Labcorp
Classification: Uncertain significance for Charcot-Marie-Tooth disease axonal type 2L. Last evaluated: 2024-05-19. Review status: criteria provided, single submitter. Criteria: Invitae Variant Classification Sherloc (09022015). Collection method: clinical testing. Allele origin: germline.
Comment: This sequence change replaces histidine, which is basic and polar, with proline, which is neutral and non-polar, at codon 11 of the HSPB8 protein (p.His11Pro). This variant is not present in population databases (gnomAD no frequency). This variant has not been reported in the literature in individuals affected with HSPB8-related conditions. Algorithms developed to predict the effect of missense changes on protein structure and function output the following: SIFT: "Not Available"; PolyPhen-2: "Benign"; Align-GVGD: "Not Available". The proline amino acid residue is found in multiple mammalian species, which suggests that this missense change does not adversely affect protein function. In summary, the available evidence is currently insufficient to determine the role of this variant in disease. Therefore, it has been classified as a Variant of Uncertain Significance.

NM_014365.3(HSPB8):c.32A>C (p.His11Pro)

Gene: HSPB8 (heat shock protein family B (small) member 8; plus strand). Cytogenetic location: 12q24.23.
Variant type: single nucleotide variant.
Coding change: c.32A>C on transcript NM_014365.3 (MANE Select); coding-DNA position 32, A replaced by C.
Protein change: p.His11Pro; replaces histidine 11 with proline.
Molecular consequence: missense variant.
Genome position (GRCh38, 1-based): chr12:119,179,344, A>C. VCF-style: chr12-119179344-A-C. GRCh37 (hg19) VCF-style: chr12-119617149-A-C.
Other names: short protein forms H11P.
Identifiers: ClinVar variation 2742361 (VCV002742361.3), dbSNP rs759289686, ClinGen allele CA386523863.